The following is an entry in ClinVar:

ClinVar aggregate classification (germline): Uncertain significance (1 of 4 stars; one submission).

Submission:

GeneDx
Classification: Uncertain significance. Last evaluated: 2025-02-13. Review status: criteria provided, single submitter. Criteria: GeneDx Variant Classification Process June 2021. Collection method: clinical testing. Allele origin: germline. Affected: yes.
Comment: Not observed at significant frequency in large population cohorts (gnomAD); In silico analysis supports that this missense variant has a deleterious effect on protein structure/function; Has not been previously published as pathogenic or benign to our knowledge

NM_013450.4(BAZ2B):c.3236G>T (p.Arg1079Leu)

Gene: BAZ2B (bromodomain adjacent to zinc finger domain 2B; minus strand). Cytogenetic location: 2q24.2.
Variant type: single nucleotide variant.
Coding change: c.3236G>T on transcript NM_013450.4 (MANE Select); coding-DNA position 3236, G replaced by T.
Protein change: p.Arg1079Leu; replaces arginine 1079 with leucine.
Molecular consequence: missense variant.
Genome position (GRCh38, 1-based): chr2:159,386,588, C>A on the plus strand (G>T on the coding strand, the complement: BAZ2B is on the minus strand). VCF-style: chr2-159386588-C-A. GRCh37 (hg19) VCF-style: chr2-160243099-C-A.
Other names: c.3128G>T, p.Arg1043Leu (NM_001289975.1); c.3074G>T, p.Arg1025Leu (NM_001329857.2); c.3161G>T, p.Arg1054Leu (NM_001329858.2); short protein forms R1025L, R1043L, R1054L, R1079L.
Identifiers: ClinVar variation 4075692 (VCV004075692.1).